The following is an entry in ClinVar:

ClinVar aggregate classification (germline): Likely benign. Review status: criteria provided, multiple submitters, no conflicts (2 of 4 stars). 2 submissions from 2 submitters: Likely benign (2). Last evaluated 2024-11-29.

Conditions:
SUCO-related disorder. Also called: SUCO-related condition.

Allele frequency attached by ClinVar (database versions not stated): TOPMed 0.00001; gnomAD 0.00009; gnomAD exomes 0.00013 and 0.00028; 1000 Genomes Project 30x 0.00016; 1000 Genomes Project 0.00020; ExAC 0.00029.
gnomAD v4.1: 209 of 1,614,012 alleles (0.013%); highest among the groups gnomAD compares: South Asian, 0.22%; 1 homozygote.

Submissions (2):

PreventionGenetics, part of Exact Sciences
Classification: Likely benign for SUCO-related condition. Last evaluated: 2024-11-29. Review status: criteria provided, single submitter. Criteria: ACMG Guidelines, 2015. Collection method: clinical testing. Allele origin: germline.
Comment: This variant is classified as likely benign based on ACMG/AMP sequence variant interpretation guidelines (Richards et al. 2015 PMID: 25741868, with internal and published modifications).

Labcorp Genetics (formerly Invitae), Labcorp
Classification: Likely benign. Last evaluated: 2024-03-11. Review status: criteria provided, single submitter. Criteria: Invitae Variant Classification Sherloc (09022015). Collection method: clinical testing. Allele origin: germline.

NM_014283.5(SUCO):c.2078A>G (p.Glu693Gly)

Gene: SUCO (SUN domain containing ossification factor; plus strand). Cytogenetic location: 1q24.3.
Variant type: single nucleotide variant.
Coding change: c.2078A>G on transcript NM_014283.5 (MANE Select); coding-DNA position 2078, A replaced by G.
Protein change: p.Glu693Gly; replaces glutamic acid 693 with glycine.
Molecular consequence: missense variant. On other transcripts: intron variant (1).
Genome position (GRCh38, 1-based): chr1:172,589,179, A>G. VCF-style: chr1-172589179-A-G. GRCh37 (hg19) VCF-style: chr1-172558319-A-G.
Other names: c.389A>G, p.Glu130Gly (NM_001282751.2); c.2531A>G, p.Glu844Gly (NM_016227.4); c.1712+255A>G (NM_001282750.2); c.2531A>G (NM_016227.3); short protein forms E130G, E693G, E844G.
Identifiers: ClinVar variation 1569099 (VCV001569099.9), dbSNP rs200119839, ClinGen allele CA1247024.